The following is an entry in ClinVar:

NM_000416.3(IFNGR1):c.729A>G (p.Ile243Met)

Gene: IFNGR1 (interferon gamma receptor 1; minus strand). Cytogenetic location: 6q23.3.
Variant type: single nucleotide variant.
Coding change: c.729A>G on transcript NM_000416.3 (MANE Select); coding-DNA position 729, A replaced by G.
Protein change: p.Ile243Met; replaces isoleucine 243 with methionine.
Molecular consequence: missense variant.
Genome position (GRCh38, 1-based): chr6:137,203,503, T>C on the plus strand (A>G on the coding strand, the complement: IFNGR1 is on the minus strand). VCF-style: chr6-137203503-T-C. GRCh37 (hg19) VCF-style: chr6-137524640-T-C.
Other names: c.699A>G, p.Ile233Met (NM_001363526.1); c.606A>G, p.Ile202Met (NM_001363527.1); short protein forms I202M, I243M, I233M.
Identifiers: ClinVar variation 904324 (VCV000904324.8), dbSNP rs376292228, ClinGen allele CA4018892.

ClinVar aggregate classification (germline): Uncertain significance. Review status: criteria provided, multiple submitters, no conflicts (2 of 4 stars). 2 submissions from 2 submitters: Uncertain significance (2). Last evaluated 2025-09-08.

Conditions:
Immunodeficiency 27A (IMD27A). Also called: IMMUNODEFICIENCY 27A, MYCOBACTERIOSIS, AUTOSOMAL RECESSIVE; IFNGR1 DEFICIENCY, AUTOSOMAL RECESSIVE. Identifiers: Orphanet 319569, Orphanet 99898, MedGen C4011949, MONDO:0008856, OMIM 209950.
Disseminated atypical mycobacterial infection. Identifiers: MedGen C0694566.

Allele frequency attached by ClinVar (database versions not stated): gnomAD 0.00001; TOPMed 0.00002; ExAC 0.00004; gnomAD exomes 0.00004 and 0.00005; ESP Exome Variant Server 0.00008.

Submissions (2):

Labcorp Genetics (formerly Invitae), Labcorp
Classification: Uncertain significance for Disseminated atypical mycobacterial infection. Last evaluated: 2025-09-08. Review status: criteria provided, single submitter. Criteria: Invitae Variant Classification Sherloc (09022015). Collection method: clinical testing. Allele origin: germline.
Comment: This sequence change replaces isoleucine, which is neutral and non-polar, with methionine, which is neutral and non-polar, at codon 243 of the IFNGR1 protein (p.Ile243Met). This variant is present in population databases (rs376292228, gnomAD 0.02%). This variant has not been reported in the literature in individuals affected with IFNGR1-related conditions. ClinVar contains an entry for this variant (Variation ID: 904324). Invitae Evidence Modeling of protein sequence and biophysical properties (such as structural, functional, and spatial information, amino acid conservation, physicochemical variation, residue mobility, and thermodynamic stability) indicates that this missense variant is not expected to disrupt IFNGR1 protein function with a negative predictive value of 80%. In summary, the available evidence is currently insufficient to determine the role of this variant in disease. Therefore, it has been classified as a Variant of Uncertain Significance.

Illumina Laboratory Services, Illumina
Classification: Uncertain significance for Immunodeficiency 27A. Last evaluated: 2018-01-13. Review status: criteria provided, single submitter. Criteria: ICSL Variant Classification Criteria 13 December 2019. Collection method: clinical testing. Allele origin: germline.